The following is an entry in ClinVar:

ClinVar aggregate classification (germline): Uncertain significance. Review status: criteria provided, multiple submitters, no conflicts (2 of 4 stars). 2 submissions from 2 submitters: Uncertain significance (2). Last evaluated 2024-06-26.

Conditions:
Hereditary breast ovarian cancer syndrome. Also called: BRCA1- and BRCA2-Associated Hereditary Breast and Ovarian Cancer; Hereditary breast and ovarian cancer; Hereditary breast and ovarian cancer syndrome (HBOC); Breast and ovarian cancer; Hereditary breast and ovarian cancer syndrome; Hereditary breast and/or ovarian cancer syndrome. Identifiers: Orphanet 145, MedGen C0677776, MeSH D061325, MONDO:0003582. Disease mechanism: loss of function.
Hereditary cancer-predisposing syndrome. Also called: Hereditary neoplastic syndrome; Tumor predisposition; Hereditary Cancer Syndrome; Neoplastic Syndromes, Hereditary. Identifiers: Orphanet 140162, MedGen C0027672, MeSH D009386, MONDO:0015356.

Submissions (2):

Labcorp Genetics (formerly Invitae), Labcorp
Classification: Uncertain significance for Hereditary breast ovarian cancer syndrome. Last evaluated: 2024-06-26. Review status: criteria provided, single submitter. Criteria: Invitae Variant Classification Sherloc (09022015). Collection method: clinical testing. Allele origin: germline.
Comment: This sequence change replaces asparagine, which is neutral and polar, with aspartic acid, which is acidic and polar, at codon 550 of the BRCA1 protein (p.Asn550Asp). This variant is not present in population databases (gnomAD no frequency). This variant has not been reported in the literature in individuals affected with BRCA1-related conditions. ClinVar contains an entry for this variant (Variation ID: 2585840). Advanced modeling of protein sequence and biophysical properties (such as structural, functional, and spatial information, amino acid conservation, physicochemical variation, residue mobility, and thermodynamic stability) performed at Invitae indicates that this missense variant is not expected to disrupt BRCA1 protein function with a negative predictive value of 95%. In summary, the available evidence is currently insufficient to determine the role of this variant in disease. Therefore, it has been classified as a Variant of Uncertain Significance.

Ambry Genetics
Classification: Uncertain significance for Hereditary cancer-predisposing syndrome. Last evaluated: 2023-08-24. Review status: criteria provided, single submitter. Criteria: Ambry Variant Classification Scheme 2023. Collection method: clinical testing. Allele origin: germline.
Comment: The p.N550D variant (also known as c.1648A>G), located in coding exon 9 of the BRCA1 gene, results from an A to G substitution at nucleotide position 1648. The asparagine at codon 550 is replaced by aspartic acid, an amino acid with highly similar properties. This amino acid position is conserved. In addition, the in silico prediction for this alteration is inconclusive. Since supporting evidence is limited at this time, the clinical significance of this alteration remains unclear.

NM_007294.4(BRCA1):c.1648A>G (p.Asn550Asp)

Gene: BRCA1 (BRCA1 DNA repair associated; minus strand). Cytogenetic location: 17q21.31.
Variant type: single nucleotide variant.
Coding change: c.1648A>G on transcript NM_007294.4 (MANE Select); coding-DNA position 1648, A replaced by G.
Protein change: p.Asn550Asp; replaces asparagine 550 with aspartic acid.
Molecular consequence: missense variant. On other transcripts: intron variant (137).
Genome position (GRCh38, 1-based): chr17:43,093,883, T>C on the plus strand (A>G on the coding strand, the complement: BRCA1 is on the minus strand). VCF-style: chr17-43093883-T-C. GRCh37 (hg19) VCF-style: chr17-41245900-T-C.
Other names: c.1522A>G, p.Asn508Asp (NM_001407688.1, NM_001407689.1, NM_001407690.1 and 11 more transcripts); c.1507A>G, p.Asn503Asp (NM_001407692.1, NM_001407694.1, NM_001407695.1 and 29 more transcripts); c.1504A>G, p.Asn502Asp (NM_001407740.1, NM_001407741.1, NM_001407742.1 and 20 more transcripts); c.1435A>G, p.Asn479Asp (NM_001407853.1, NM_001407894.1, NM_001407895.1 and 9 more transcripts); c.1648A>G, p.Asn550Asp (NM_001407854.1, NM_001407858.1, NM_001407859.1 and 30 more transcripts); c.1645A>G, p.Asn549Asp (NM_001407860.1, NM_001407861.1, NM_001407587.1 and 22 more transcripts); c.1447A>G, p.Asn483Asp (NM_001407862.1); c.1525A>G, p.Asn509Asp (NM_001407863.1, NM_001407919.1, NM_001407937.1 and 19 more transcripts); and 40 more; short protein forms N508D, N509D, N523D, N254D, N382D, N438D, N439D, N461D.
Identifiers: ClinVar variation 2585840 (VCV002585840.4), dbSNP rs56012641, ClinGen allele CA10598740.
Genomic context (GRCh38, chr17:43,093,883, plus strand): 5'-GGTTAGGATTTTTCTCATTCTGAATAGAATCACCTTTTGTTTTATTCTCATGACCACTAT[T>C]AGTAATATTCATCACTTGACCATTCTGCTCCGTTTGGTTAGTTCCCTGATTTATCATTTC-3'
Protein context (NP_009225.1, residues 540-560): EQNGQVMNIT[Asn550Asp]SGHENKTKGD